The following is an entry in ClinVar:

NM_174936.4(PCSK9):c.1254C>T (p.Phe418=)

Gene: PCSK9 (proprotein convertase subtilisin/kexin type 9; plus strand). Cytogenetic location: 1p32.3.
Variant type: single nucleotide variant.
Coding change: c.1254C>T on transcript NM_174936.4 (MANE Select); coding-DNA position 1254, C replaced by T.
Protein change: p.Phe418=; no amino-acid change (phenylalanine 418 retained).
Molecular consequence: synonymous variant. On other transcripts: non-coding transcript variant (8), intron variant (2).
Genome position (GRCh38, 1-based): chr1:55,058,109, C>T. VCF-style: chr1-55058109-C-T. GRCh37 (hg19) VCF-style: chr1-55523782-C-T.
Other names: c.1377C>T, p.Phe459= (NM_001407240.1); c.1254C>T, p.Phe418= (NM_001407241.1); c.1257C>T, p.Phe419= (NM_001407242.1); c.1197C>T, p.Phe399= (NM_001407243.1); c.1062C>T, p.Phe354= (NM_001407245.1); c.879C>T, p.Phe293= (NM_001407246.1); c.1181-390C>T (NM_001407244.1); c.1180+595C>T (NM_001407247.1).
Identifiers: ClinVar variation 927417 (VCV000927417.5), dbSNP rs1378713223, ClinGen allele CA417960172.

ClinVar aggregate classification (germline): Likely benign. Review status: criteria provided, multiple submitters, no conflicts (2 of 4 stars). 3 submissions from 3 submitters: Likely benign (3). Last evaluated 2025-12-29.

Conditions:
Hypercholesterolemia, autosomal dominant, 3 (FHCL3). Also called: PCSK9-Related Familial Hypercholesterolemia, Autosomal Dominant; Familial hypercholesterolemia 3; Familial Hypercholesterolemia, Autosomal Dominant, 3. Identifiers: MedGen C1863551, MONDO:0011369, OMIM 603776.
Familial hypercholesterolemia. Also called: Familial hypercholesterolaemia; Familial hypercholesterolemias. Identifiers: MedGen C0020445, MONDO:0005439.

Allele frequency attached by ClinVar (database versions not stated): TOPMed below 0.00001.

Submissions (3):

Labcorp Genetics (formerly Invitae), Labcorp
Classification: Likely benign for Hypercholesterolemia, autosomal dominant, 3. Last evaluated: 2025-12-29. Review status: criteria provided, single submitter. Criteria: Invitae Variant Classification Sherloc (09022015). Collection method: clinical testing. Allele origin: germline.

All of Us Research Program, National Institutes of Health
Classification: Likely benign for Hypercholesterolemia, autosomal dominant, 3. Last evaluated: 2024-05-24. Review status: criteria provided, single submitter. Criteria: ACMG Guidelines, 2015. Collection method: clinical testing. Allele origin: germline. Inheritance: Autosomal dominant inheritance. Observed: 1 variant allele, 1 heterozygote.
Comment: This study involves interpretation of variants in research participants for the purpose of population health screening. Participant phenotype was not available at the time of variant classification. Additional details can be found in publication PMID: 35346344, PMCID: PMC8962531

Color Diagnostics, LLC DBA Color Health
Classification: Likely benign for Familial hypercholesterolemia. Last evaluated: 2019-07-09. Review status: criteria provided, single submitter. Criteria: ACMG Guidelines, 2015. Collection method: clinical testing. Allele origin: germline.